The following is an entry in ClinVar:

NM_001958.5(EEF1A2):c.219C>T (p.Ile73=)

Gene: EEF1A2 (eukaryotic translation elongation factor 1 alpha 2; minus strand). Cytogenetic location: 20q13.33.
Variant type: single nucleotide variant.
Coding change: c.219C>T on transcript NM_001958.5 (MANE Select); coding-DNA position 219, C replaced by T.
Protein change: p.Ile73=; no amino-acid change (isoleucine 73 retained).
Molecular consequence: synonymous variant.
Genome position (GRCh38, 1-based): chr20:63,495,961, G>A on the plus strand (C>T on the coding strand, the complement: EEF1A2 is on the minus strand). VCF-style: chr20-63495961-G-A. GRCh37 (hg19) VCF-style: chr20-62127314-G-A.
Identifiers: ClinVar variation 476034 (VCV000476034.20), dbSNP rs371263699, ClinGen allele CA9959158.

ClinVar aggregate classification (germline): Likely benign. Review status: criteria provided, multiple submitters, no conflicts (2 of 4 stars). 4 submissions from 4 submitters: Likely benign (4). Last evaluated 2026-05-01.

Conditions:
Inborn genetic diseases. Identifiers: MedGen C0950123, MeSH D030342.
Developmental and epileptic encephalopathy, 33 (DEE33). Also called: Epileptic encephalopathy, early infantile, 33. Identifiers: Orphanet 442835, MedGen C4225337, MONDO:0014625, OMIM 616409.

Allele frequency attached by ClinVar (database versions not stated): gnomAD exomes 0.00004 and 0.00005; TOPMed 0.00004; ExAC 0.00005; gnomAD 0.00005 and 0.00006; ESP Exome Variant Server 0.00008.
gnomAD v4.1: 80 of 1,613,164 alleles (0.005%); highest among the groups gnomAD compares: Admixed American, 0.0067%; no homozygotes.

Submissions (4):

CeGaT Center for Human Genetics Tuebingen
Classification: Likely benign. Last evaluated: 2026-05-01. Review status: criteria provided, single submitter. Criteria: CeGaT Center For Human Genetics Tuebingen Variant Classification Criteria Version 2. Collection method: clinical testing. Allele origin: germline. Affected: yes. Observed: 2 variant alleles.
Comment: EEF1A2: BP4, BP7

Labcorp Genetics (formerly Invitae), Labcorp
Classification: Likely benign for Developmental and epileptic encephalopathy, 33. Last evaluated: 2025-10-02. Review status: criteria provided, single submitter. Criteria: Invitae Variant Classification Sherloc (09022015). Collection method: clinical testing. Allele origin: germline.

Blueprint Genetics
Classification: Likely benign. Last evaluated: 2024-11-27. Review status: criteria provided, single submitter. Criteria: ACMG Guidelines, 2015. Collection method: clinical testing. Allele origin: germline.

Ambry Genetics
Classification: Likely benign for Inborn genetic diseases. Last evaluated: 2019-09-27. Review status: criteria provided, single submitter. Criteria: Ambry Variant Classification Scheme 2023. Collection method: clinical testing. Allele origin: germline.